The following is an entry in ClinVar:

NM_001080449.3(DNA2):c.2828A>T (p.Tyr943Phe)

Gene: DNA2 (DNA replication helicase/nuclease 2; minus strand). Cytogenetic location: 10q21.3.
Variant type: single nucleotide variant.
Coding change: c.2828A>T on transcript NM_001080449.3 (MANE Select); coding-DNA position 2828, A replaced by T.
Protein change: p.Tyr943Phe; replaces tyrosine 943 with phenylalanine.
Molecular consequence: missense variant. On other transcripts: non-coding transcript variant (1).
Genome position (GRCh38, 1-based): chr10:68,419,173, T>A on the plus strand (A>T on the coding strand, the complement: DNA2 is on the minus strand). VCF-style: chr10-68419173-T-A. GRCh37 (hg19) VCF-style: chr10-70178930-T-A.
Other names: short protein forms Y943F.
Identifiers: ClinVar variation 426652 (VCV000426652.2), dbSNP rs1085307729, ClinGen allele CA376841666.
Genomic context (GRCh38, chr10:68,419,173, plus strand): 5'-ACTTCGACCATCCCAATAGAACGTGCCAATAAATCATTGATGATCTTTAATTGCTGCCTG[T>A]ACGGTGCAATAATACCAATATCAGAGGGACTGCATCCAGCCTAAATAGAAAAAGACACAA-3'
Protein context (NP_001073918.2, residues 933-953): SPSDIGIIAP[Tyr943Phe]RQQLKIINDL

ClinVar aggregate classification (germline): Uncertain significance (1 of 4 stars; one submission).

Submission:

GeneDx
Classification: Uncertain significance. Last evaluated: 2017-04-10. Review status: criteria provided, single submitter. Criteria: GeneDx Variant Classification (06012015). Collection method: clinical testing. Allele origin: germline. Affected: yes.
Comment: The Y943F variant in the DNA2 gene has not been reported previously as a pathogenic variant, nor as a benign variant, to our knowledge. The Y943F variant is not observed in large population cohorts (Lek et al., 2016; 1000 Genomes Consortium et al., 2015; Exome Variant Server). The Y943F variant is a non-conservative amino acid substitution, which is likely to impact secondary protein structure as these residues differ in polarity, charge, size and/or other properties. This substitution occurs at a position that is conserved across species. In silico analysis predicts this variant is probably damaging to the protein structure/function. We interpret Y943F as a variant of uncertain significance.